The following is an entry in ClinVar:

ClinVar aggregate classification (germline): Likely pathogenic (1 of 4 stars; one submission).

Conditions:
Glutaric aciduria, type 1. Also called: Glutaric Acidemia Type 1; Glutaryl-CoA dehydrogenase deficiency; Glutaric acidemia type I; GA I; Glutaricacidemia Type 1; Glutaricaciduria, type I. Identifiers: Orphanet 25, MedGen C0268595, MONDO:0009281, OMIM 231670.

Submission:

Natera, Inc.
Classification: Likely pathogenic for Glutaric acidemia type 1. Last evaluated: 2024-05-21. Review status: criteria provided, single submitter. Criteria: Natera Variant Classification Schema (03/2026). Collection method: clinical testing. Allele origin: germline.
Comment: The c.662T>C variant in GCDH is a missense variant predicted to cause substitution of leucine to proline at amino acid 221. This variant is rare in the general population with a frequency below the threshold expected for the associated phenotype(s). This variant has been observed in one or more individuals affected with the associated recessive disease, as either homozygous or compound heterozygous with a second variant (PMID: 31302874, 25762492). Additionally, this variant has been observed to segregate in affected family members (PMID: 25762492). Computational prediction algorithms indicate this variant is likely to affect gene or protein function. Given the available evidence, this variant is classified as Likely Pathogenic.

Literature cited by the submitters: PubMed 31302874; PubMed 25762492.

NM_000159.4(GCDH):c.662T>C (p.Leu221Pro)

Gene: GCDH (glutaryl-CoA dehydrogenase; plus strand). Cytogenetic location: 19p13.13.
Variant type: single nucleotide variant.
Coding change: c.662T>C on transcript NM_000159.4 (MANE Select); coding-DNA position 662, T replaced by C.
Protein change: p.Leu221Pro; replaces leucine 221 with proline.
Molecular consequence: missense variant. On other transcripts: non-coding transcript variant (1).
Genome position (GRCh38, 1-based): chr19:12,896,231, T>C. VCF-style: chr19-12896231-T-C. GRCh37 (hg19) VCF-style: chr19-13007045-T-C.
Other names: c.662T>C, p.Leu221Pro (NM_013976.5); short protein forms L221P.
Identifiers: ClinVar variation 4817846 (VCV004817846.1).